The following is an entry in ClinVar:

ClinVar aggregate classification (germline): Conflicting classifications of pathogenicity. Review status: criteria provided, conflicting classifications (1 of 4 stars). 5 submissions from 5 submitters: Uncertain significance (1); Likely benign (3). 1 of the submissions does not count toward it. Last evaluated 2026-01-27.

Conditions:
TBCE-related disorder. Also called: TBCE-related disorders; TBCE-related condition.

Allele frequency attached by ClinVar (database versions not stated): ExAC 0.00036; ESP Exome Variant Server 0.00100; TOPMed 0.00121; 1000 Genomes Project 0.00140; gnomAD 0.00153; 1000 Genomes Project 30x 0.00187.
gnomAD v4.1: 342 of 1,613,668 alleles (0.021%); highest among the groups gnomAD compares: African/African-American, 0.33%; no homozygotes.

Submissions (5):

Labcorp Genetics (formerly Invitae), Labcorp
Classification: Likely benign. Last evaluated: 2026-01-27. Review status: criteria provided, single submitter. Criteria: Invitae Variant Classification Sherloc (09022015). Collection method: clinical testing. Allele origin: germline.

Women's Health and Genetics/Laboratory Corporation of America, LabCorp
Classification: Likely benign. Last evaluated: 2023-12-20. Review status: criteria provided, single submitter. Criteria: LabCorp Variant Classification Summary - May 2015. Collection method: clinical testing. Allele origin: germline.
Comment: Variant summary: TBCE c.194C>A (p.Thr65Lys) results in a non-conservative amino acid change located in the CAP Gly-rich domain (IPR000938) of the encoded protein sequence. Three of five in-silico tools predict a benign effect of the variant on protein function. The variant allele was found at a frequency of 0.00046 in 282474 control chromosomes, predominantly at a frequency of 0.0042 within the African or African-American subpopulation in the gnomAD database, including 1 homozygote. The relatively high frequency together with a homozygous occurrence suggests that the variant might be benign.. To our knowledge, no occurrence of c.194C>A in individuals affected with TBCE-Related Disorder and no experimental evidence demonstrating its impact on protein function have been reported. Three submitters have cited clinical-significance assessments for this variant to ClinVar after 2014, and classified the variant as likely benign (n=2) or VUS (n=1). Based on the evidence outlined above, the variant was classified as likely benign.

GeneDx
Classification: Uncertain significance. Last evaluated: 2022-12-18. Review status: criteria provided, single submitter. Criteria: GeneDx Variant Classification Process June 2021. Collection method: clinical testing. Allele origin: germline. Affected: yes.
Comment: Reported in healthy controls and not reported in affected individuals in a case-control study of individuals with autism (Dabro et al., 2016); In silico analysis, which includes protein predictors and evolutionary conservation, supports a deleterious effect; This variant is associated with the following publications: (PMID: 26934580)

Eurofins Ntd Llc (ga)
Classification: Likely benign. Last evaluated: 2015-11-25. Review status: criteria provided, single submitter. Criteria: EGL Classification Definitions 2015. Collection method: clinical testing. Allele origin: germline. Observed: 1 variant allele, 1 heterozygote.

PreventionGenetics, part of Exact Sciences
Classification: Likely benign for TBCE-related condition. Last evaluated: 2024-08-07. Review status: no assertion criteria provided. Collection method: clinical testing. Allele origin: germline. Not counted in ClinVar's aggregate classification.
Comment: This variant is classified as likely benign based on ACMG/AMP sequence variant interpretation guidelines (Richards et al. 2015 PMID: 25741868, with internal and published modifications).

NM_003193.5(TBCE):c.194C>A (p.Thr65Lys)

Gene: TBCE (tubulin folding cofactor E; plus strand). Cytogenetic location: 1q42.3.
Variant type: single nucleotide variant.
Coding change: c.194C>A on transcript NM_003193.5 (MANE Select); coding-DNA position 194, C replaced by A.
Protein change: p.Thr65Lys; replaces threonine 65 with lysine.
Molecular consequence: missense variant. On other transcripts: 5 prime UTR variant (1).
Genome position (GRCh38, 1-based): chr1:235,414,441, C>A. VCF-style: chr1-235414441-C-A. GRCh37 (hg19) VCF-style: chr1-235577756-C-A.
Other names: c.194C>A (NM_001287801.1); c.194C>A, p.Thr65Lys (NM_001079515.3, NM_001287801.2); c.-202C>A (NM_001287802.2); short protein forms T65K.
Identifiers: ClinVar variation 284950 (VCV000284950.18), dbSNP rs144747353, ClinGen allele CA1463968.
Genomic context (GRCh38, chr1:235,414,441, plus strand): 5'-GCCTTTCTTGGTGGGTAATATTTTCTGTGTTTCATTTGCTCTTCTTTACCAGGCACCCGA[C>A]AGGAGGATCCTTTATTCGTCCGAACAAGGTAAATTTTGGAACAGACTTTCTTACTGCAAT-3'
Protein context (NP_003184.1, residues 55-75): GTVYFKCRHP[Thr65Lys]GGSFIRPNKV